The following is an entry in ClinVar:

ClinVar aggregate classification (germline): Conflicting classifications of pathogenicity. Review status: criteria provided, conflicting classifications (1 of 4 stars). 5 submissions from 5 submitters: Uncertain significance (2); Likely benign (3). Last evaluated 2026-01-08.

Conditions:
Cardiovascular phenotype. Identifiers: MedGen CN230736.
Dilated cardiomyopathy 1DD (CMD1DD). Identifiers: Orphanet 154, MedGen C2750995, MONDO:0013168, OMIM 613172.

Allele frequency attached by ClinVar (database versions not stated): gnomAD exomes 0.00004 and 0.00011; TOPMed 0.00005; gnomAD 0.00002.
gnomAD v4.1: 23 of 1,551,700 alleles (0.0015%); highest among the groups gnomAD compares: Admixed American, 0.045%; no homozygotes.

Submissions (5):

Labcorp Genetics (formerly Invitae), Labcorp
Classification: Likely benign for Dilated cardiomyopathy 1DD. Last evaluated: 2026-01-08. Review status: criteria provided, single submitter. Criteria: Invitae Variant Classification Sherloc (09022015). Collection method: clinical testing. Allele origin: germline.

Ambry Genetics
Classification: Likely benign for Cardiovascular phenotype. Last evaluated: 2025-12-22. Review status: criteria provided, single submitter. Criteria: Ambry Variant Classification Scheme 2023. Collection method: clinical testing. Allele origin: germline.

Women's Health and Genetics/Laboratory Corporation of America, LabCorp
Classification: Likely benign. Last evaluated: 2025-07-24. Review status: criteria provided, single submitter. Criteria: LabCorp Variant Classification Summary - May 2015. Collection method: clinical testing. Allele origin: germline.
Comment: Variant summary: RBM20 c.3046G>A (p.Gly1016Ser) results in a non-conservative amino acid change in the encoded protein sequence. Algorithms developed to predict the effect of missense changes on protein structure and function are either unavailable or do not agree on the potential impact of this missense change. The variant allele was found at a frequency of 0.00011 in 156636 control chromosomes. The observed variant frequency is approximately 2.45 fold of the estimated maximal expected allele frequency for a pathogenic variant in RBM20 causing Dilated Cardiomyopathy phenotype (4.7e-05). To our knowledge, no occurrence of c.3046G>A in individuals affected with Dilated Cardiomyopathy and no experimental evidence demonstrating its impact on protein function have been reported. ClinVar contains an entry for this variant (Variation ID: 202073). Based on the evidence outlined above, the variant was classified as likely benign.

GeneDx
Classification: Uncertain significance. Last evaluated: 2024-07-18. Review status: criteria provided, single submitter. Criteria: GeneDx Variant Classification Process June 2021. Collection method: clinical testing. Allele origin: germline. Affected: yes.
Comment: In silico analysis indicates that this missense variant does not alter protein structure/function; Has not been previously published as pathogenic or benign to our knowledge

Stanford Center for Inherited Cardiovascular Disease, Stanford University
Classification: Uncertain significance. Last evaluated: 2017-03-29. Review status: criteria provided, single submitter. Criteria: ACMG Guidelines, 2015. Collection method: provider interpretation. Allele origin: germline.

NM_001134363.3(RBM20):c.3046G>A (p.Gly1016Ser)

Gene: RBM20 (RNA binding motif protein 20; plus strand). Cytogenetic location: 10q25.2.
Variant type: single nucleotide variant.
Coding change: c.3046G>A on transcript NM_001134363.3 (MANE Select); coding-DNA position 3046, G replaced by A.
Protein change: p.Gly1016Ser; replaces glycine 1016 with serine.
Molecular consequence: missense variant.
Genome position (GRCh38, 1-based): chr10:110,821,665, G>A. VCF-style: chr10-110821665-G-A. GRCh37 (hg19) VCF-style: chr10-112581423-G-A.
Other names: p.G1016S:GGC>AGC; c.3046G>A (LRG_382t1); short protein forms G1016S.
Identifiers: ClinVar variation 202073 (VCV000202073.20), dbSNP rs794729156, ClinGen allele CA335571.